The following is an entry in ClinVar:

NM_004726.3(REPS2):c.160G>C (p.Gly54Arg)

Gene: REPS2 (RALBP1 associated Eps domain containing 2; plus strand). Cytogenetic location: Xp22.2.
Variant type: single nucleotide variant.
Coding change: c.160G>C on transcript NM_004726.3 (MANE Select); coding-DNA position 160, G replaced by C.
Protein change: p.Gly54Arg; replaces glycine 54 with arginine.
Molecular consequence: missense variant.
Genome position (GRCh38, 1-based): chrX:16,947,021, G>C. VCF-style: chrX-16947021-G-C. GRCh37 (hg19) VCF-style: chrX-16965144-G-C.
Other names: c.160G>C, p.Gly54Arg (NM_001080975.2); short protein forms G54R.
Identifiers: ClinVar variation 2660074 (VCV002660074.24), dbSNP rs996210768, ClinGen allele CA412468474.
Genomic context (GRCh38, chrX:16,947,021, plus strand): 5'-GAGCAGCAGTGCTACTCCGAGCTCTTCGCGCGCTGTGCCGGCGCCGCGGGCGGGGGCCCC[G>C]GGTCTGGGCCCCCCGAGGCCGCCAGAGTCGCCCCCGGCACGGCCACTGCGGCCGCCGGCC-3'
Protein context (NP_004717.2, residues 44-64): RCAGAAGGGP[Gly54Arg]SGPPEAARVA

ClinVar aggregate classification (germline): Uncertain significance (1 of 4 stars; one submission).

Submission:

CeGaT Center for Human Genetics Tuebingen
Classification: Uncertain significance. Last evaluated: 2023-01-01. Review status: criteria provided, single submitter. Criteria: CeGaT Center For Human Genetics Tuebingen Variant Classification Criteria Version 2. Collection method: clinical testing. Allele origin: germline. Affected: yes. Observed: 1 variant allele.
Comment: REPS2: PM2